The following is an entry in ClinVar:

ClinVar aggregate classification (germline): Benign (1 of 4 stars; one submission).

Conditions:
Neurofibromatosis, type 1 (NF1). Also called: VON RECKLINGHAUSEN DISEASE; NEUROFIBROMATOSIS, TYPE I, SOMATIC; Peripheral type neurofibromatosis; Neurofibromatosis, type I. Identifiers: Orphanet 636, MedGen C0027831, MONDO:0018975, OMIM 162200. Disease mechanism: loss of function.

gnomAD v4.1: 2 of 1,613,838 alleles (0.00012%); highest among the groups gnomAD compares: Admixed American, 0.0033%; no homozygotes.

Submission:

Myriad Genetics, Inc.
Classification: Benign for Neurofibromatosis, type 1. Last evaluated: 2026-05-26. Review status: criteria provided, single submitter. Criteria: Myriad Autosomal Dominant, Autosomal Recessive and X-Linked Classification Criteria (2023). Collection method: clinical testing. Allele origin: unknown.
Comment: This variant is considered benign. This variant occurs in the non-coding 3' untranslated region of the gene, and is not expected to impact protein function.

NM_001042492.3(NF1):c.*10G>C

Gene: NF1 (neurofibromin 1; plus strand). Cytogenetic location: 17q11.2.
Variant type: single nucleotide variant.
Coding change: c.*10G>C on transcript NM_001042492.3 (MANE Select); 10 bases downstream of the stop codon, G replaced by C.
Molecular consequence: 3 prime UTR variant.
Genome position (GRCh38, 1-based): chr17:31,374,165, G>C. VCF-style: chr17-31374165-G-C. GRCh37 (hg19) VCF-style: chr17-29701183-G-C.
Other names: c.*10G>C (NM_000267.4).
Identifiers: ClinVar variation 4876146 (VCV004876146.1).
Genomic context (GRCh38, chr17:31,374,165, plus strand): 5'-CAAAGAAGCGCTGGCAGTTTCAAACGTAATAGCATTAAGAAGATCGTGTGAAGCTTGCTT[G>C]CTTTCTTTTTTAAAATCAACTTAACATGGGCTCTTCACTAGTGACCCCTTCCCTGTCCTT-3'